The following is an entry in ClinVar:

NM_175914.5(HNF4A):c.*782G>A

Gene: HNF4A (hepatocyte nuclear factor 4 alpha; plus strand). Cytogenetic location: 20q13.12.
Variant type: single nucleotide variant.
Coding change: c.*782G>A on transcript NM_175914.5 (MANE Select); 782 bases downstream of the stop codon, G replaced by A.
Molecular consequence: 3 prime UTR variant.
Genome position (GRCh38, 1-based): chr20:44,430,447, G>A. VCF-style: chr20-44430447-G-A. GRCh37 (hg19) VCF-style: chr20-43059087-G-A.
Other names: c.*782G>A (NM_000457.6, NM_001030003.3, NM_001258355.2 and 3 more transcripts).
Identifiers: ClinVar variation 338447 (VCV000338447.6), dbSNP rs886056682, ClinGen allele CA10649732.

ClinVar aggregate classification (germline): Conflicting classifications of pathogenicity. Review status: criteria provided, conflicting classifications (1 of 4 stars). 3 submissions from 2 submitters: Uncertain significance (2); Benign (1). Last evaluated 2018-01-13.

Conditions:
Familial hyperinsulinism. Also called: Congenital hyperinsulinism. Identifiers: Orphanet 276525, MedGen C3888018, MONDO:0017182. Disease mechanism: loss of function.
Maturity-onset diabetes of the young type 1. Also called: MILD JUVENILE DIABETES MELLITUS; MODY, type I; MODY type 1; Diabetes mellitus MODY type 1; MODY HNF4A related; HNF4A-Related Maturity-Onset Diabetes of the Young Type 1. Identifiers: Orphanet 552, MedGen C1852093, MONDO:0007452, OMIM 125850. Disease mechanism: loss of function.
Maturity-onset diabetes of the young (MODY). Also called: Maturity onset diabetes mellitus in young. Identifiers: Orphanet 552, MedGen C0342276, MONDO:0018911, HP:0004904.

Allele frequency attached by ClinVar (database versions not stated): TOPMed below 0.00001; gnomAD 0.00001.
gnomAD v4.1: 1 of 152,452 alleles (0.00066%); highest among the groups gnomAD compares: Non-Finnish European, 0.0015%; no homozygotes.

Submissions (3):

Illumina Laboratory Services, Illumina
Classification: Uncertain significance for Maturity-onset diabetes of the young type 1. Last evaluated: 2018-01-13. Review status: criteria provided, single submitter. Criteria: ICSL Variant Classification Criteria 13 December 2019. Collection method: clinical testing. Allele origin: germline.

Illumina Laboratory Services, Illumina
Classification: Uncertain significance for Familial hyperinsulinism. Last evaluated: 2018-01-13. Review status: criteria provided, single submitter. Criteria: ICSL Variant Classification Criteria 13 December 2019. Collection method: clinical testing. Allele origin: germline.

Clinical Genomics, Uppaluri K&H Personalized Medicine Clinic
Classification: Benign for Maturity-onset diabetes of the young. Review status: criteria provided, single submitter. Criteria: K & H Uppaluri Personalized Medicine Clinic Variant Classification & Assertion Criteria_Updated V.1. Collection method: research. Allele origin: unknown. Inheritance: Autosomal dominant inheritance.
Comment: Potent mutations in HNF4A are associated with poor insulin secretion in response to hyperglycemia. Associated with MODY1. Patients initially respond well to sulfonylureas but eventually become insulin dependent. However, more evidence is required to ascertain the role of this particular variant rs886056682 in MODY, yet.

Literature cited by the submitters: DOI 10.1159/000334532 (cited by Clinical Genomics, Uppaluri K&H Personalized Medicine Clinic); PubMed 18268044 (cited by Clinical Genomics, Uppaluri K&H Personalized Medicine Clinic); PubMed 17563455 (cited by Clinical Genomics, Uppaluri K&H Personalized Medicine Clinic); PubMed 32583173 (cited by Clinical Genomics, Uppaluri K&H Personalized Medicine Clinic); PubMed 35052457 (cited by Clinical Genomics, Uppaluri K&H Personalized Medicine Clinic); PubMed 35118593 (cited by Clinical Genomics, Uppaluri K&H Personalized Medicine Clinic).